The following is an entry in ClinVar:

NM_182914.3(SYNE2):c.4228T>G (p.Leu1410Val)

Gene: SYNE2 (spectrin repeat containing nuclear envelope protein 2; plus strand). Cytogenetic location: 14q23.2.
Variant type: single nucleotide variant.
Coding change: c.4228T>G on transcript NM_182914.3 (MANE Select); coding-DNA position 4228, T replaced by G.
Protein change: p.Leu1410Val; replaces leucine 1410 with valine.
Molecular consequence: missense variant.
Genome position (GRCh38, 1-based): chr14:64,003,161, T>G. VCF-style: chr14-64003161-T-G. GRCh37 (hg19) VCF-style: chr14-64469879-T-G.
Other names: c.4228T>G, p.Leu1410Val (NM_015180.6); short protein forms L1410V.
Identifiers: ClinVar variation 2037826 (VCV002037826.4), dbSNP rs2551004199, ClinGen allele CA389999635.

ClinVar aggregate classification (germline): Uncertain significance (1 of 4 stars; one submission).

Conditions:
Emery-Dreifuss muscular dystrophy 5, autosomal dominant (EDMD5). Also called: EMERY-DREIFUSS MUSCULAR DYSTROPHY 5. Identifiers: Orphanet 261, MedGen C2751805, MONDO:0013072, OMIM 612999.

gnomAD v4.1: 1 of 1,614,164 alleles (0.000062%); no homozygotes.

Submission:

Labcorp Genetics (formerly Invitae), Labcorp
Classification: Uncertain significance for Emery-Dreifuss muscular dystrophy 5, autosomal dominant. Last evaluated: 2021-12-09. Review status: criteria provided, single submitter. Criteria: Invitae Variant Classification Sherloc (09022015). Collection method: clinical testing. Allele origin: germline.
Comment: This variant is not present in population databases (gnomAD no frequency). This sequence change replaces leucine, which is neutral and non-polar, with valine, which is neutral and non-polar, at codon 1410 of the SYNE2 protein (p.Leu1410Val). This variant has not been reported in the literature in individuals affected with SYNE2-related conditions. In summary, the available evidence is currently insufficient to determine the role of this variant in disease. Therefore, it has been classified as a Variant of Uncertain Significance. Algorithms developed to predict the effect of sequence changes on RNA splicing suggest that this variant may create or strengthen a splice site. Algorithms developed to predict the effect of missense changes on protein structure and function output the following: SIFT: "Deleterious"; PolyPhen-2: "Benign"; Align-GVGD: "Class C0". The valine amino acid residue is found in multiple mammalian species, which suggests that this missense change does not adversely affect protein function.